The following is an entry in ClinVar:

ClinVar aggregate classification (germline): Likely benign (0 of 4 stars; one submission).

Conditions:
UNC79-related disorder. Also called: UNC79-related condition.

Allele frequency attached by ClinVar (database versions not stated): ExAC 0.21041.

Submission:

PreventionGenetics, part of Exact Sciences
Classification: Likely benign for UNC79-related condition. Last evaluated: 2024-08-09. Review status: no assertion criteria provided. Collection method: clinical testing. Allele origin: germline.
Comment: This variant is classified as likely benign based on ACMG/AMP sequence variant interpretation guidelines (Richards et al. 2015 PMID: 25741868, with internal and published modifications).

NM_001395159.1(UNC79):c.23-2A>T

Gene: UNC79 (unc-79 homolog, NALCN channel complex subunit; plus strand). Cytogenetic location: 14q32.12.
Variant type: single nucleotide variant.
Coding change: c.23-2A>T on transcript NM_001395159.1 (MANE Select); the canonical splice acceptor site of the intron before coding-DNA position 23, A replaced by T.
Molecular consequence: splice acceptor variant.
Genome position (GRCh38, 1-based): chr14:93,467,669, A>T. VCF-style: chr14-93467669-A-T. GRCh37 (hg19) VCF-style: chr14-93934015-A-T.
Other names: c.-350-2A>T (NM_020818.5); c.23-2A>T (NM_001346218.2).
Identifiers: ClinVar variation 3046520 (VCV003046520.2), dbSNP rs778061554, ClinGen allele CA7321143.